The following is an entry in ClinVar:

NM_080425.4(GNAS):c.658C>G (p.Pro220Ala)

Gene: GNAS (GNAS complex locus; plus strand). Cytogenetic location: 20q13.32.
Variant type: single nucleotide variant.
Coding change: c.658C>G on transcript NM_080425.4 (MANE Plus Clinical); coding-DNA position 658, C replaced by G.
Protein change: p.Pro220Ala; replaces proline 220 with alanine.
Molecular consequence: missense variant. On other transcripts: synonymous variant (2), intron variant (3).
Genome position (GRCh38, 1-based): chr20:58,853,923, C>G. VCF-style: chr20-58853923-C-G. GRCh37 (hg19) VCF-style: chr20-57428978-C-G.
Other names: c.471C>G, p.Pro157= (NM_001077490.3, NM_001309883.1); c.658C>G, p.Pro220Ala (NM_001410913.1); c.*42+13037C>G (NM_016592.5); c.43+13037C>G (NM_001410912.1); c.-39+12048C>G (NM_001309861.2); short protein forms P220A.
Identifiers: ClinVar variation 4981062 (VCV004981062.1).

ClinVar aggregate classification (germline): Uncertain significance (1 of 4 stars; one submission).

Conditions:
GNAS-related disorder. Identifiers: MedGen CN380105.

gnomAD v4.1: 2 of 1,610,546 alleles (0.00012%); highest among the groups gnomAD compares: African/African-American, 0.0013%; no homozygotes.

Submission:

PreventionGenetics, part of Exact Sciences
Classification: Uncertain significance for GNAS-related condition. Last evaluated: 2026-06-04. Review status: criteria provided, single submitter. Criteria: ACMG Guidelines, 2015. Collection method: clinical testing. Allele origin: germline.
Comment: The GNAS c.658C>G variant is predicted to result in the amino acid substitution p.Pro220Ala. This variant corresponds to a pre-coding position in the primary transcript for this gene (NM_000516:c.-37804C>G). To our knowledge, this variant has not been reported in the literature or in a large population database (gnomAD), indicating this variant is rare. At this time, the clinical significance of this variant is uncertain due to the absence of conclusive functional and genetic evidence.